The following is an entry in ClinVar:

ClinVar aggregate classification (germline): Uncertain significance. Review status: criteria provided, multiple submitters, no conflicts (2 of 4 stars). 9 submissions from 9 submitters: Uncertain significance (7). 2 of the submissions do not count toward it. Last evaluated 2026-02-11.

Conditions:
Familial cancer of breast. Also called: BREAST CANCER, FAMILIAL; Hereditary breast cancer; hereditary breast carcinoma. Identifiers: Orphanet 227535, MedGen C0346153, MONDO:0016419, OMIM 114480. Disease mechanism: loss of function.
Hereditary cancer-predisposing syndrome. Also called: Hereditary Cancer Syndrome; Neoplastic Syndromes, Hereditary; Tumor predisposition; Hereditary neoplastic syndrome. Identifiers: Orphanet 140162, MedGen C0027672, MeSH D009386, MONDO:0015356.
Fanconi anemia complementation group J. Also called: BRIP1-Related Fanconi Anemia. Identifiers: Orphanet 84, MedGen C1836860, MONDO:0012187, OMIM 609054.
BRIP1-related disorder. Also called: BRIP1-related condition; BRIP1-related disorders. Identifiers: MedGen CN239206.

Allele frequency attached by ClinVar (database versions not stated): ExAC 0.00001; gnomAD exomes 0.00001; gnomAD 0.00002; TOPMed 0.00002.
gnomAD v4.1: 6 of 1,614,044 alleles (0.00037%); highest among the groups gnomAD compares: African/African-American, 0.004%; no homozygotes.

Submissions (9):

St. Jude Molecular Pathology, St. Jude Children's Research Hospital
Classification: Uncertain significance for Familial cancer of breast. Last evaluated: 2026-02-11. Review status: criteria provided, single submitter. Criteria: St. Jude Assertion Criteria 2020. Collection method: clinical testing. Allele origin: germline.
Comment: The BRIP1 c.3296T>G p.(Leu1099Arg) missense change has a maximum subpopulation frequency of 0.006% in gnomAD v2.1.1. The in silico tool REVEL is inconclusive about a pathogenic or benign effect of this variant on protein function, and to our knowledge functional studies have not been performed. To our knowledge, this variant has not been reported in individuals with BRIP1-associated conditions. In summary, the evidence currently available is insufficient to determine the clinical significance of this variant. It has therefore been classified as of uncertain significance.

Labcorp Genetics (formerly Invitae), Labcorp
Classification: Uncertain significance for Familial cancer of breast; Fanconi anemia complementation group J. Last evaluated: 2025-11-11. Review status: criteria provided, single submitter. Criteria: Invitae Variant Classification Sherloc (09022015). Collection method: clinical testing. Allele origin: germline.
Comment: This sequence change replaces leucine, which is neutral and non-polar, with arginine, which is basic and polar, at codon 1099 of the BRIP1 protein (p.Leu1099Arg). This variant is present in population databases (rs772709195, gnomAD 0.006%). This variant has not been reported in the literature in individuals affected with BRIP1-related conditions. ClinVar contains an entry for this variant (Variation ID: 186266). Invitae Evidence Modeling of protein sequence and biophysical properties (such as structural, functional, and spatial information, amino acid conservation, physicochemical variation, residue mobility, and thermodynamic stability) indicates that this missense variant is not expected to disrupt BRIP1 protein function with a negative predictive value of 95%. In summary, the available evidence is currently insufficient to determine the role of this variant in disease. Therefore, it has been classified as a Variant of Uncertain Significance.

Ambry Genetics
Classification: Uncertain significance for Hereditary cancer-predisposing syndrome. Last evaluated: 2024-11-22. Review status: criteria provided, single submitter. Criteria: Ambry Variant Classification Scheme 2023. Collection method: clinical testing. Allele origin: germline.
Comment: The p.L1099R variant (also known as c.3296T>G), located in coding exon 19 of the BRIP1 gene, results from a T to G substitution at nucleotide position 3296. The leucine at codon 1099 is replaced by arginine, an amino acid with dissimilar properties. This amino acid position is not well conserved in available vertebrate species. In addition, this alteration is predicted to be tolerated by in silico analysis. Based on the available evidence, the clinical significance of this variant remains unclear.

GeneDx
Classification: Uncertain significance. Last evaluated: 2024-03-18. Review status: criteria provided, single submitter. Criteria: GeneDx Variant Classification Process June 2021. Collection method: clinical testing. Allele origin: germline. Affected: yes.
Comment: Not observed at significant frequency in large population cohorts (gnomAD); In silico analysis supports that this missense variant does not alter protein structure/function; Observed in patient(s) with prostate cancer (PMID: 36922933); This variant is associated with the following publications: (PMID: 33471991, 36922933)

Baylor Genetics
Classification: Uncertain significance for Familial cancer of breast. Last evaluated: 2024-03-02. Review status: criteria provided, single submitter. Criteria: ACMG Guidelines, 2015. Collection method: clinical testing. Allele origin: unknown.

Color Diagnostics, LLC DBA Color Health
Classification: Uncertain significance for Hereditary cancer-predisposing syndrome. Last evaluated: 2023-11-01. Review status: criteria provided, single submitter. Criteria: ACMG Guidelines, 2015. Collection method: clinical testing. Allele origin: germline.
Comment: This missense variant replaces leucine with arginine at codon 1099 of the BRIP1 protein. Computational prediction suggests that this variant may not impact protein structure and function. To our knowledge, functional studies have not been reported for this variant. This variant has been detected in a breast cancer case-control meta-analysis in 1/60466 cases and 0/53461 unaffected individuals (PMID: 33471991; Leiden Open Variation Database DB-ID BRIP1_000291). This variant has been identified in 2/250866 chromosomes in the general population by the Genome Aggregation Database (gnomAD). The available evidence is insufficient to determine the role of this variant in disease conclusively. Therefore, this variant is classified as a Variant of Uncertain Significance.

Quest Diagnostics Nichols Institute San Juan Capistrano
Classification: Uncertain significance. Last evaluated: 2017-07-21. Review status: criteria provided, single submitter. Criteria: Quest Diagnostics criteria. Collection method: clinical testing. Allele origin: germline.

PreventionGenetics, part of Exact Sciences
Classification: Uncertain significance for BRIP1-related condition. Last evaluated: 2023-11-27. Review status: no assertion criteria provided. Collection method: clinical testing. Allele origin: germline. Not counted in ClinVar's aggregate classification.
Comment: The BRIP1 c.3296T>G variant is predicted to result in the amino acid substitution p.Leu1099Arg. To our knowledge, this variant has not been reported in the literature. This variant is reported in 0.0058% of alleles in individuals of Latino descent in gnomAD, and is reported as having uncertain clinical significance in ClinVar. At this time, the clinical significance of this variant is uncertain due to the absence of conclusive functional and genetic evidence.

Department of Pathology and Laboratory Medicine, Sinai Health System
Classification: Uncertain significance. Review status: no assertion criteria provided. Collection method: clinical testing. Allele origin: unknown. Affected: yes. Study: The Canadian Open Genetics Repository (COGR). Not counted in ClinVar's aggregate classification.
Comment: The BRIP1 p.L1099R variant was not identified in the literature nor was it identified in COSMIC. The variant was identified in dbSNP (ID: rs772709195) and ClinVar (classified as uncertain significance by Invitae, Ambry Genetics, Color, and Quest Diagnostics). The variant was identified in control databases in 2 of 250866 chromosomes at a frequency of Â¬â€  Â¬â€  0.000007972, and was observed only in the Latino population in 2 of 34588 chromosomes (freq: 0.00005782) (Genome Aggregation Database March 6, 2019, v2.1.1). The p.L1099 residue is not conserved in mammals and computational analyses (MUT Assesor, PolyPhen-2, SIFT, MutationTaster, Revel, FATHMM, MetaLR, DANN) do not suggest a high likelihood of impact to the protein; however this information is not predictive enough to rule out pathogenicity. The variant occurs outside of the splicing consensus sequence and in silico or computational prediction software programs (Splice AI exome) do not predict a difference in splicing. In summary, based on the above information the clinical significance of this variant cannot be determined with certainty at this time. This variant is classified as a variant of uncertain significance.

Literature cited by the submitters: PubMed 33471991 (cited by Color Diagnostics, LLC DBA Color Health).

NM_032043.3(BRIP1):c.3296T>G (p.Leu1099Arg)

Gene: BRIP1 (BRCA1 interacting DNA helicase 1; minus strand). Cytogenetic location: 17q23.2.
Variant type: single nucleotide variant.
Coding change: c.3296T>G on transcript NM_032043.3 (MANE Select); coding-DNA position 3296, T replaced by G.
Protein change: p.Leu1099Arg; replaces leucine 1099 with arginine.
Molecular consequence: missense variant.
Genome position (GRCh38, 1-based): chr17:61,683,750, A>C on the plus strand (T>G on the coding strand, the complement: BRIP1 is on the minus strand). VCF-style: chr17-61683750-A-C. GRCh37 (hg19) VCF-style: chr17-59761111-A-C.
Other names: short protein forms L1099R.
Identifiers: ClinVar variation 186266 (VCV000186266.29), dbSNP rs772709195, ClinGen allele CA194298.